The following is an entry in ClinVar:

ClinVar aggregate classification (germline): Uncertain significance. Review status: criteria provided, multiple submitters, no conflicts (2 of 4 stars). 6 submissions from 6 submitters: Uncertain significance (5). 1 of the submissions does not count toward it. Last evaluated 2025-10-17.

Conditions:
ANG-related disorder. Also called: ANG-related condition.

Allele frequency attached by ClinVar (database versions not stated): TOPMed 0.00011; gnomAD 0.00013 and 0.00015; gnomAD exomes 0.00013 and 0.00014; ESP Exome Variant Server 0.00015; ExAC 0.00016.
gnomAD v4.1: 206 of 1,613,976 alleles (0.013%); highest among the groups gnomAD compares: Non-Finnish European, 0.016%; no homozygotes.

Submissions (6):

Labcorp Genetics (formerly Invitae), Labcorp
Classification: Uncertain significance. Last evaluated: 2025-10-17. Review status: criteria provided, single submitter. Criteria: Invitae Variant Classification Sherloc (09022015). Collection method: clinical testing. Allele origin: germline.
Comment: This sequence change replaces proline, which is neutral and non-polar, with serine, which is neutral and polar, at codon 21 of the ANG protein (p.Pro21Ser). This variant is present in population databases (rs149672657, gnomAD 0.03%), and has an allele count higher than expected for a pathogenic variant. This missense change has been observed in individual(s) with clinical features of ANG-related conditions (PMID: 17886298, 18087731, 22190368, 26551617). This variant is also known as P(-4)S. ClinVar contains an entry for this variant (Variation ID: 804533). An algorithm developed to predict the effect of missense changes on protein structure and function outputs the following: PolyPhen-2: "Benign". The serine amino acid residue is found in multiple mammalian species, which suggests that this missense change does not adversely affect protein function. In summary, the available evidence is currently insufficient to determine the role of this variant in disease. Therefore, it has been classified as a Variant of Uncertain Significance.

Mayo Clinic Laboratories, Mayo Clinic
Classification: Uncertain significance. Last evaluated: 2025-09-04. Review status: criteria provided, single submitter. Criteria: ACMG Guidelines, 2015. Collection method: clinical testing. Allele origin: germline. Observed: 1 variant allele.

GeneDx
Classification: Uncertain significance. Last evaluated: 2023-06-01. Review status: criteria provided, single submitter. Criteria: GeneDx Variant Classification Process June 2021. Collection method: clinical testing. Allele origin: germline. Affected: yes.
Comment: In silico analysis supports that this missense variant has a deleterious effect on protein structure/function; This variant is associated with the following publications: (PMID: 22190368, 18087731, 17886298, 26551617)

CeGaT Center for Human Genetics Tuebingen
Classification: Uncertain significance. Last evaluated: 2023-01-01. Review status: criteria provided, single submitter. Criteria: CeGaT Center For Human Genetics Tuebingen Variant Classification Criteria Version 2. Collection method: clinical testing. Allele origin: germline. Affected: yes. Observed: 2 variant alleles.
Comment: ANG: PS4:Moderate

Athena Diagnostics
Classification: Uncertain significance. Last evaluated: 2018-09-18. Review status: criteria provided, single submitter. Criteria: Athena Diagnostics Criteria. Collection method: clinical testing. Allele origin: germline.

PreventionGenetics, part of Exact Sciences
Classification: Uncertain significance for ANG-related condition. Last evaluated: 2024-03-13. Review status: no assertion criteria provided. Collection method: clinical testing. Allele origin: germline. Not counted in ClinVar's aggregate classification.
Comment: The ANG c.61C>T variant is predicted to result in the amino acid substitution p.Pro21Ser. This variant (notated as P-4S or P(-4)S in older publications) has been reported in both amyotrophic lateral sclerosis patients and control individuals (Wu et al. 2007. PubMed ID: 17886298; van Es et al. 2011. PubMed ID: 22190368; Gellera et al. 2007. PubMed ID: 18087731). This variant is reported in 0.029% of alleles in individuals of European (Non-Finnish) descent in gnomAD. At this time, the clinical significance of this variant is uncertain due to the absence of conclusive functional and genetic evidence.

Literature cited by the submitters: PubMed 17886298 (cited by 3 submitters); PubMed 18087731 (cited by 3 submitters); PubMed 22190368 (cited by 3 submitters); PubMed 26551617 (cited by Labcorp Genetics (formerly Invitae), Labcorp and Mayo Clinic Laboratories, Mayo Clinic); PubMed 32028661 (cited by Mayo Clinic Laboratories, Mayo Clinic); PubMed 38421827 (cited by Mayo Clinic Laboratories, Mayo Clinic).

NM_001097577.3(ANG):c.61C>T (p.Pro21Ser)

Genes: RNASE4 (ribonuclease A family member 4; plus strand), ANG (angiogenin; plus strand), EGILA (EGFR interacting lncRNA; minus strand). Cytogenetic location: 14q11.2.
Variant type: single nucleotide variant.
Coding change: c.61C>T on transcript NM_001097577.3 (MANE Select); coding-DNA position 61, C replaced by T.
Protein change: p.Pro21Ser; replaces proline 21 with serine.
Molecular consequence: missense variant. On other transcripts: non-coding transcript variant (1), 5 prime UTR variant (1), intron variant (3).
Genome position (GRCh38, 1-based): chr14:20,693,625, C>T. VCF-style: chr14-20693625-C-T. GRCh37 (hg19) VCF-style: chr14-21161784-C-T.
Other names: p.Pro21Ser; c.61C>T, p.Pro21Ser (NM_001145.4, NM_001385271.1, NM_001385272.1 and 2 more transcripts); c.-43C>T (NM_001282192.2); c.-17-5730C>T (NM_002937.5, NM_001282193.2); c.-18+4751C>T (NM_194431.3); short protein forms P21S.
Identifiers: ClinVar variation 804533 (VCV000804533.49), dbSNP rs149672657, ClinGen allele CA7083131.